The following is an entry in ClinVar:

ClinVar aggregate classification (germline): Uncertain significance (1 of 4 stars; one submission).

Conditions:
Severe combined immunodeficiency due to DNA-PKcs deficiency. Also called: Immunodeficiency 26 with or without neurologic abnormalities; IMMUNODEFICIENCY 26 WITH NEUROLOGIC ABNORMALITIES. Identifiers: Orphanet 317425, MedGen C4014833, MONDO:0014423, OMIM 615966.

Submission:

Labcorp Genetics (formerly Invitae), Labcorp
Classification: Uncertain significance for Severe combined immunodeficiency due to DNA-PKcs deficiency. Last evaluated: 2020-05-24. Review status: criteria provided, single submitter. Criteria: Invitae Variant Classification Sherloc (09022015). Collection method: clinical testing. Allele origin: germline.
Comment: This sequence change replaces alanine with threonine at codon 418 of the PRKDC protein (p.Ala418Thr). The alanine residue is highly conserved and there is a small physicochemical difference between alanine and threonine. This variant is not present in population databases (ExAC no frequency). This variant has not been reported in the literature in individuals with PRKDC-related conditions. Experimental studies and prediction algorithms are not available or were not evaluated, and the functional significance of this variant is currently unknown. In summary, the available evidence is currently insufficient to determine the role of this variant in disease. Therefore, it has been classified as a Variant of Uncertain Significance.

NM_006904.7(PRKDC):c.1252G>A (p.Ala418Thr)

Gene: PRKDC (protein kinase, DNA-activated, catalytic subunit; minus strand). Cytogenetic location: 8q11.21.
Variant type: single nucleotide variant.
Coding change: c.1252G>A on transcript NM_006904.7 (MANE Select); coding-DNA position 1252, G replaced by A.
Protein change: p.Ala418Thr; replaces alanine 418 with threonine.
Molecular consequence: missense variant.
Genome position (GRCh38, 1-based): chr8:47,936,379, C>T on the plus strand (G>A on the coding strand, the complement: PRKDC is on the minus strand). VCF-style: chr8-47936379-C-T. GRCh37 (hg19) VCF-style: chr8-48848939-C-T.
Other names: c.1252G>A, p.Ala418Thr (NM_001081640.2); short protein forms A418T.
Identifiers: ClinVar variation 1020036 (VCV001020036.7), dbSNP rs2090352078, ClinGen allele CA371166093.